The following is an entry in ClinVar:

NM_001953.5(TYMP):c.1198_1203dup (p.Leu401_His402insValLeu)

Genes: SCO2 (synthesis of cytochrome C oxidase 2; minus strand), TYMP (thymidine phosphorylase; minus strand), LOC130067862 (ATAC-STARR-seq lymphoblastoid silent region 13986; plus strand). Cytogenetic location: 22q13.33.
Variant type: Duplication.
Coding change: c.1198_1203dup on transcript NM_001953.5 (MANE Select); coding-DNA positions 1198 to 1203, 6 bases duplicated (GTGCTG; older notation c.1198_1203dupGTGCTG).
Protein change: p.Leu401_His402insValLeu.
Molecular consequence: inframe insertion. On other transcripts: 5 prime UTR variant (1), intron variant (1).
Genome position (GRCh38, 1-based): chr22:50,526,098-50,526,103, CAGCAC duplicated on the plus strand (GTGCTG on the coding strand, the reverse complement: TYMP is on the minus strand); duplicating any 6 consecutive bases within chr22:50,526,098-50,526,107 gives the same sequence; the c. name uses the placement nearest the transcript's 3' end. VCF-style (leftmost placement, unchanged base first): chr22-50526097-G-GCAGCAC. GRCh37 (hg19) VCF-style: chr22-50964526-G-GCAGCAC.
Other names: c.1198_1203dup, p.Leu401_His402insValLeu (NM_001113755.3, NM_001113756.3, NM_001257988.1); c.1213_1218dup, p.Leu406_His407insValLeu (NM_001257989.1); c.-116_-111dup (NM_001169110.1); c.-14+143_-14+148dup (NM_001169109.2).
Identifiers: ClinVar variation 4975838 (VCV004975838.1).

ClinVar aggregate classification (germline): Uncertain significance (1 of 4 stars; one submission).

Submission:

GeneDx
Classification: Uncertain significance. Last evaluated: 2026-01-28. Review status: criteria provided, single submitter. Criteria: GeneDx Variant Classification Process June 2021. Collection method: clinical testing. Allele origin: germline.
Comment: Not observed at significant frequency in large population cohorts (gnomAD); In-frame duplication of 2 amino acid(s) in a non-repeat region; Has not been previously published as pathogenic or benign to our knowledge